The following is an entry in ClinVar:

NM_001609.4(ACADSB):c.*1826C>T

Gene: ACADSB (acyl-CoA dehydrogenase short/branched chain; plus strand). Cytogenetic location: 10q26.13.
Variant type: single nucleotide variant.
Coding change: c.*1826C>T on transcript NM_001609.4 (MANE Select); 1826 bases downstream of the stop codon, C replaced by T.
Molecular consequence: 3 prime UTR variant.
Genome position (GRCh38, 1-based): chr10:123,055,591, C>T. VCF-style: chr10-123055591-C-T. GRCh37 (hg19) VCF-style: chr10-124815107-C-T.
Other names: c.*1826C>T (NM_001330174.3).
Identifiers: ClinVar variation 299117 (VCV000299117.5), dbSNP rs568834686, ClinGen allele CA10631125.
Genomic context (GRCh38, chr10:123,055,591, plus strand): 5'-ATCATGCCTTCCCAACAGTCCCCCAAAGTCTTAACTCATTTCAGCATTAACCCAAAAGTC[C>T]GCAGTCCAAAGTTTCATCTGAGACAAGGCAAGTCCCTTCCACTTATGAACCTGTAAAATC-3'

ClinVar aggregate classification (germline): Likely benign (1 of 4 stars; one submission).

Conditions:
Deficiency of 2-methylbutyryl-CoA dehydrogenase (ACADSB). Also called: 2-methylbutyryl-CoA dehydrogenase deficiency; SBCAD deficiency; 2-methylbutyric aciduria; Short branched-chain acyl-CoA dehydrogenase deficiency; 2-methylbutyrylglycinuria. Identifiers: Orphanet 79157, MedGen C1864912, MONDO:0012392, OMIM 610006, HP:0020147.

Allele frequency attached by ClinVar (database versions not stated): 1000 Genomes Project 30x 0.00078; 1000 Genomes Project 0.00080; gnomAD 0.00143; TOPMed 0.00162.

Submission:

Illumina Laboratory Services, Illumina
Classification: Likely benign for Deficiency of 2-methylbutyryl-CoA dehydrogenase. Last evaluated: 2018-01-13. Review status: criteria provided, single submitter. Criteria: ICSL Variant Classification Criteria 13 December 2019. Collection method: clinical testing. Allele origin: germline.
Comment: This variant was observed in the ICSL laboratory as part of a predisposition screen in an ostensibly healthy population. It had not been previously curated by ICSL or reported in the Human Gene Mutation Database (HGMD: prior to June 1st, 2018), and was therefore a candidate for classification through an automated scoring system. Utilizing variant allele frequency, disease prevalence and penetrance estimates, and inheritance mode, an automated score was calculated to assess if this variant is too frequent to cause the disease. Based on the score and internal cut-off values, a variant classified as likely benign is not then subjected to further curation. The score for this variant resulted in a classification of likely benign for this disease.